The following is an entry in ClinVar:

ClinVar aggregate classification (germline): Conflicting classifications of pathogenicity. Review status: criteria provided, conflicting classifications (1 of 4 stars). 6 submissions from 6 submitters: Uncertain significance (1); Likely benign (5). Last evaluated 2026-08-01.

Conditions:
Cardiovascular phenotype. Identifiers: MedGen CN230736.
Autosomal recessive limb-girdle muscular dystrophy type 2J (LGMDR10). Also called: MUSCULAR DYSTROPHY, LIMB-GIRDLE, AUTOSOMAL RECESSIVE 10; Limb-girdle muscular dystrophy, type 2J. Identifiers: Orphanet 140922, MedGen C1837342, MONDO:0012127, OMIM 608807.
Dilated cardiomyopathy 1G (CMD1G). Identifiers: Orphanet 154, MedGen C1858763, MONDO:0011400, OMIM 604145.

Allele frequency attached by ClinVar (database versions not stated): gnomAD 0.00001; TOPMed 0.00001; ExAC 0.00002; gnomAD exomes 0.00002.
gnomAD v4.1: 23 of 1,613,960 alleles (0.0014%); highest among the groups gnomAD compares: South Asian, 0.0033%; no homozygotes.

Submissions (6):

CeGaT Center for Human Genetics Tuebingen
Classification: Likely benign. Last evaluated: 2026-08-01. Review status: criteria provided, single submitter. Criteria: CeGaT Center For Human Genetics Tuebingen Variant Classification Criteria Version 2. Collection method: clinical testing. Allele origin: germline. Affected: yes. Observed: 2 variant alleles.
Comment: TTN: BP4, BP7

Labcorp Genetics (formerly Invitae), Labcorp
Classification: Likely benign for Dilated cardiomyopathy 1G; Autosomal recessive limb-girdle muscular dystrophy type 2J. Last evaluated: 2025-09-28. Review status: criteria provided, single submitter. Criteria: Invitae Variant Classification Sherloc (09022015). Collection method: clinical testing. Allele origin: germline.

Mayo Clinic Laboratories, Mayo Clinic
Classification: Likely benign. Last evaluated: 2024-12-19. Review status: criteria provided, single submitter. Criteria: ACMG Guidelines, 2015. Collection method: clinical testing. Allele origin: germline. Observed: 1 variant allele.
Comment: BP4, BP7

Blueprint Genetics
Classification: Likely benign. Last evaluated: 2022-03-28. Review status: criteria provided, single submitter. Criteria: ACMG Guidelines, 2015. Collection method: clinical testing. Allele origin: germline.

Ambry Genetics
Classification: Likely benign for Cardiovascular phenotype. Last evaluated: 2020-03-18. Review status: criteria provided, single submitter. Criteria: Ambry Variant Classification Scheme 2023. Collection method: clinical testing. Allele origin: germline.

Eurofins Ntd Llc (ga)
Classification: Uncertain significance. Last evaluated: 2017-05-04. Review status: criteria provided, single submitter. Criteria: EGL Classification Definitions 2015. Collection method: clinical testing. Allele origin: germline. Observed: 1 variant allele, 1 heterozygote.

NM_001267550.2(TTN):c.6243C>T (p.Phe2081=)

Gene: TTN (titin; minus strand). Cytogenetic location: 2q31.2.
Variant type: single nucleotide variant.
Coding change: c.6243C>T on transcript NM_001267550.2 (MANE Select); coding-DNA position 6243, C replaced by T.
Protein change: p.Phe2081=; no amino-acid change (phenylalanine 2081 retained).
Molecular consequence: synonymous variant.
Genome position (GRCh38, 1-based): chr2:178,775,621, G>A on the plus strand (C>T on the coding strand, the complement: TTN is on the minus strand). VCF-style: chr2-178775621-G-A. GRCh37 (hg19) VCF-style: chr2-179640348-G-A.
Other names: p.Phe2081=; c.6243C>T, p.Phe2081= (NM_001256850.1, NM_133378.4, NM_133379.5); c.6105C>T, p.Phe2035= (NM_003319.4, NM_133432.3, NM_133437.4).
Identifiers: ClinVar variation 501730 (VCV000501730.24), dbSNP rs770052197, ClinGen allele CA2005083.